The following is an entry in ClinVar:

ClinVar aggregate classification (germline): Uncertain significance (1 of 4 stars; one submission).

Conditions:
Hypercholesterolemia, autosomal dominant, 3 (FHCL3). Also called: Familial Hypercholesterolemia, Autosomal Dominant, 3; PCSK9-Related Familial Hypercholesterolemia, Autosomal Dominant; Familial hypercholesterolemia 3. Identifiers: MedGen C1863551, MONDO:0011369, OMIM 603776.

Allele frequency attached by ClinVar (database versions not stated): 1000 Genomes Project 0.00040; 1000 Genomes Project 30x 0.00047.

Submission:

All of Us Research Program, National Institutes of Health
Classification: Uncertain significance for Hypercholesterolemia, autosomal dominant, 3. Last evaluated: 2023-06-26. Review status: criteria provided, single submitter. Criteria: ACMG Guidelines, 2015. Collection method: clinical testing. Allele origin: germline. Inheritance: Autosomal dominant inheritance. Observed: 2 variant alleles, 2 heterozygotes.
Comment: This missense variant replaces glycine with cysteine at codon 316 of the PCSK9 protein. Computational prediction suggests that this variant may have a deleterious impact on protein structure and function (internally defined REVEL score threshold >= 0.7, PMID: 27666373). A functional study using transfected HEK293 cells has shown that this variant results in loss of normal PCSK9 function (PMID: 28711549). This variant has been reported in an individual affected with hypercholesterolemia and fatty liver disease (PMID: 28711549). This variant has been identified in 3/229854 chromosomes in the general population by the Genome Aggregation Database (gnomAD). The available evidence is insufficient to determine the role of this variant in disease conclusively. Therefore, this variant is classified as a Variant of Uncertain Significance

This study involves interpretation of variants in research participants for the purpose of population health screening. Participant phenotype was not available at the time of variant classification. Additional details can be found in publication PMID: 35346344, PMCID: PMC8962531

Literature cited by the submitters: PubMed 28711549.

NM_174936.4(PCSK9):c.946G>T (p.Gly316Cys)

Gene: PCSK9 (proprotein convertase subtilisin/kexin type 9; plus strand). Cytogenetic location: 1p32.3.
Variant type: single nucleotide variant.
Coding change: c.946G>T on transcript NM_174936.4 (MANE Select); coding-DNA position 946, G replaced by T.
Protein change: p.Gly316Cys; replaces glycine 316 with cysteine.
Molecular consequence: missense variant. On other transcripts: non-coding transcript variant (8).
Genome position (GRCh38, 1-based): chr1:55,056,139, G>T. VCF-style: chr1-55056139-G-T. GRCh37 (hg19) VCF-style: chr1-55521812-G-T.
Other names: c.1069G>T, p.Gly357Cys (NM_001407240.1); c.946G>T, p.Gly316Cys (NM_001407241.1, NM_001407244.1, NM_001407247.1); c.949G>T, p.Gly317Cys (NM_001407242.1); c.889G>T, p.Gly297Cys (NM_001407243.1); c.754G>T, p.Gly252Cys (NM_001407245.1); c.571G>T, p.Gly191Cys (NM_001407246.1); short protein forms G191C, G252C, G297C, G316C, G317C, G357C.
Identifiers: ClinVar variation 3071005 (VCV003071005.1), dbSNP rs554488891, ClinGen allele CA045157.